The following is an entry in ClinVar:

ClinVar aggregate classification (germline): Uncertain significance. Review status: criteria provided, multiple submitters, no conflicts (2 of 4 stars). 2 submissions from 2 submitters: Uncertain significance (2). Last evaluated 2025-06-22.

Conditions:
Aortic aneurysm, familial thoracic 6 (AAT6). Also called: FAMILIAL THORACIC AORTIC ANEURYSM WITH LIVEDO RETICULARIS AND IRIS FLOCCULI. Identifiers: MedGen C2673186, MONDO:0012730, OMIM 611788.
Familial thoracic aortic aneurysm and aortic dissection (TAAD). Also called: Thoracic aortic aneurysms and dissections. Identifiers: Orphanet 91387, MedGen C4707243, MONDO:0019625.

Submissions (2):

Labcorp Genetics (formerly Invitae), Labcorp
Classification: Uncertain significance for Aortic aneurysm, familial thoracic 6. Last evaluated: 2025-06-22. Review status: criteria provided, single submitter. Criteria: Invitae Variant Classification Sherloc (09022015). Collection method: clinical testing. Allele origin: germline.
Comment: This sequence change replaces glycine, which is neutral and non-polar, with glutamic acid, which is acidic and polar, at codon 48 of the ACTA2 protein (p.Gly48Glu). This variant is not present in population databases (gnomAD no frequency). This missense change has been observed in individual(s) with thoracic aortic aneurysm and dissection (internal data). ClinVar contains an entry for this variant (Variation ID: 2585754). Invitae Evidence Modeling of protein sequence and biophysical properties (such as structural, functional, and spatial information, amino acid conservation, physicochemical variation, residue mobility, and thermodynamic stability) indicates that this missense variant is not expected to disrupt ACTA2 protein function with a negative predictive value of 80%. This variant disrupts the p.Gly48 amino acid residue in ACTA2. Other variant(s) that disrupt this residue have been observed in individuals with ACTA2-related conditions (PMID: 25759435), which suggests that this may be a clinically significant amino acid residue. In summary, the available evidence is currently insufficient to determine the role of this variant in disease. Therefore, it has been classified as a Variant of Uncertain Significance.

Ambry Genetics
Classification: Uncertain significance for Familial thoracic aortic aneurysm and aortic dissection. Last evaluated: 2023-07-20. Review status: criteria provided, single submitter. Criteria: Ambry Variant Classification Scheme 2023. Collection method: clinical testing. Allele origin: germline.
Comment: The p.G48E variant (also known as c.143G>A), located in coding exon 2 of the ACTA2 gene, results from a G to A substitution at nucleotide position 143. The glycine at codon 48 is replaced by glutamic acid, an amino acid with similar properties. This amino acid position is conserved. In addition, this alteration is predicted to be deleterious by in silico analysis. Since supporting evidence is limited at this time, the clinical significance of this alteration remains unclear.

Literature cited by the submitters: PubMed 25759435 (cited by Labcorp Genetics (formerly Invitae), Labcorp).

NM_001613.4(ACTA2):c.143G>A (p.Gly48Glu)

Gene: ACTA2 (actin alpha 2, smooth muscle; minus strand). Cytogenetic location: 10q23.31.
Variant type: single nucleotide variant.
Coding change: c.143G>A on transcript NM_001613.4 (MANE Select); coding-DNA position 143, G replaced by A.
Protein change: p.Gly48Glu; replaces glycine 48 with glutamic acid.
Molecular consequence: missense variant. On other transcripts: intron variant (3).
Genome position (GRCh38, 1-based): chr10:88,947,373, C>T on the plus strand (G>A on the coding strand, the complement: ACTA2 is on the minus strand). VCF-style: chr10-88947373-C-T. GRCh37 (hg19) VCF-style: chr10-90707130-C-T.
Other names: c.143G>A, p.Gly48Glu (NM_001141945.3, NM_001320855.2, NM_001406462.1 and 4 more transcripts); c.129+1429G>A (NM_001406467.1, NM_001406468.1, NM_001406469.1); short protein forms G48E.
Identifiers: ClinVar variation 2585754 (VCV002585754.5), dbSNP rs2494571084, ClinGen allele CA377513539.